The following is an entry in ClinVar:

ClinVar aggregate classification (germline): Uncertain significance (1 of 4 stars; one submission).

Submission:

Labcorp Genetics (formerly Invitae), Labcorp
Classification: Uncertain significance. Last evaluated: 2025-12-11. Review status: criteria provided, single submitter. Criteria: Invitae Variant Classification Sherloc (09022015). Collection method: clinical testing. Allele origin: germline.
Comment: This sequence change replaces serine, which is neutral and polar, with tyrosine, which is neutral and polar, at codon 309 of the BGN protein (p.Ser309Tyr). This variant is not present in population databases (gnomAD no frequency). This variant has not been reported in the literature in individuals affected with BGN-related conditions. Invitae Evidence Modeling of protein sequence and biophysical properties (such as structural, functional, and spatial information, amino acid conservation, physicochemical variation, residue mobility, and thermodynamic stability) indicates that this missense variant is not expected to disrupt BGN protein function with a negative predictive value of 80%. In summary, the available evidence is currently insufficient to determine the role of this variant in disease. Therefore, it has been classified as a Variant of Uncertain Significance.

NM_001711.6(BGN):c.926C>A (p.Ser309Tyr)

Gene: BGN (biglycan; plus strand). Cytogenetic location: Xq28.
Variant type: single nucleotide variant.
Coding change: c.926C>A on transcript NM_001711.6 (MANE Select); coding-DNA position 926, C replaced by A.
Protein change: p.Ser309Tyr; replaces serine 309 with tyrosine.
Molecular consequence: missense variant.
Genome position (GRCh38, 1-based): chrX:153,508,264, C>A. VCF-style: chrX-153508264-C-A. GRCh37 (hg19) VCF-style: chrX-152773722-C-A.
Other names: short protein forms S309Y.
Identifiers: ClinVar variation 4767117 (VCV004767117.1).